The following is an entry in ClinVar:

ClinVar aggregate classification (germline): Likely benign. Review status: criteria provided, single submitter (1 of 4 stars). 2 submissions from 2 submitters: Likely benign (1). 1 of the submissions does not count toward it. Last evaluated 2024-07-25.

Conditions:
SERPINH1-related disorder. Also called: SERPINH1-related condition.

Allele frequency attached by ClinVar (database versions not stated): gnomAD 0.00001; gnomAD exomes 0.00001; ExAC 0.00002; 1000 Genomes Project 30x 0.00016; 1000 Genomes Project 0.00020.
gnomAD v4.1: 18 of 1,613,928 alleles (0.0011%); highest among the groups gnomAD compares: East Asian, 0.0045%; no homozygotes.

Submissions (2):

Labcorp Genetics (formerly Invitae), Labcorp
Classification: Likely benign. Last evaluated: 2024-07-25. Review status: criteria provided, single submitter. Criteria: Invitae Variant Classification Sherloc (09022015). Collection method: clinical testing. Allele origin: germline.

PreventionGenetics, part of Exact Sciences
Classification: Likely benign for SERPINH1-related condition. Last evaluated: 2021-09-09. Review status: no assertion criteria provided. Collection method: clinical testing. Allele origin: germline. Not counted in ClinVar's aggregate classification.
Comment: This variant is classified as likely benign based on ACMG/AMP sequence variant interpretation guidelines (Richards et al. 2015 PMID: 25741868, with internal and published modifications).

NM_001235.5(SERPINH1):c.738C>T (p.Tyr246=)

Gene: SERPINH1 (serpin family H member 1; plus strand). Cytogenetic location: 11q13.5.
Variant type: single nucleotide variant.
Coding change: c.738C>T on transcript NM_001235.5 (MANE Select); coding-DNA position 738, C replaced by T.
Protein change: p.Tyr246=; no amino-acid change (tyrosine 246 retained).
Molecular consequence: synonymous variant.
Genome position (GRCh38, 1-based): chr11:75,568,955, C>T. VCF-style: chr11-75568955-C-T. GRCh37 (hg19) VCF-style: chr11-75280000-C-T.
Other names: c.738C>T, p.Tyr246= (NM_001207014.3).
Identifiers: ClinVar variation 3033063 (VCV003033063.4), dbSNP rs199681690, ClinGen allele CA6190915.